The following is an entry in ClinVar:

NM_001277058.2(ERCC6):c.1816G>A (p.Val606Ile)

Genes: ERCC6 (ERCC excision repair 6, chromatin remodeling factor; minus strand), PGBD3 (piggyBac transposable element derived 3; minus strand). Cytogenetic location: 10q11.23.
Variant type: single nucleotide variant.
Coding change: c.1816G>A on transcript NM_001277058.2 (MANE Plus Clinical); coding-DNA position 1816, G replaced by A.
Protein change: p.Val606Ile; replaces valine 606 with isoleucine.
Molecular consequence: missense variant. On other transcripts: intron variant (2).
Genome position (GRCh38, 1-based): chr10:49,516,703, C>T on the plus strand (G>A on the coding strand, the complement: ERCC6 is on the minus strand). VCF-style: chr10-49516703-C-T. GRCh37 (hg19) VCF-style: chr10-50724749-C-T.
Other names: c.1397+7330G>A (NM_001346440.2, NM_000124.4); c.1816G>A, p.Val606Ile (NM_001277059.2); c.412G>A, p.Val138Ile (NM_170753.3); short protein forms V606I, V138I.
Identifiers: ClinVar variation 3211756 (VCV003211756.11), dbSNP rs147242124, ClinGen allele CA5496242.
Genomic context (GRCh38, chr10:49,516,703, plus strand): 5'-TGAGTTCAATGACCTCGTCATCAAGAAAAAGTTCAAGAATTTCTGTGGGAGTTCTCATTA[C>T]GGTGAAGAAATCGTTTGGTGGTGCTGTAACTCTACCTGCTACGGGTTGTACAGTTAGGTC-3'
Protein context (NP_001263987.1, residues 596-616): VTAPPNDFFT[Val606Ile]MRTPTEILEL

ClinVar aggregate classification (germline): Conflicting classifications of pathogenicity. Review status: criteria provided, conflicting classifications (1 of 4 stars). 3 submissions from 3 submitters: Uncertain significance (2); Likely benign (1). Last evaluated 2025-06-01.

Conditions:
Premature ovarian failure 11 (POF11). Identifiers: MedGen C4310783, MONDO:0014843, OMIM 616946.
Lung cancer. Also called: Malignant tumor of lung; Lung cancer, somatic. Identifiers: MedGen C0242379, MONDO:0008903, OMIM 211980.
Cockayne syndrome type 2 (CSB). Also called: Cockayne Syndrome, Type II; COCKAYNE SYNDROME B. Identifiers: Orphanet 191, Orphanet 90322, MedGen C0751038, MONDO:0019570, OMIM 133540.
UV-sensitive syndrome 1 (UVSS1). Identifiers: Orphanet 178338, MedGen C3551173, MONDO:0010909, OMIM 600630.
DE SANCTIS-CACCHIONE SYNDROME. Identifiers: MedGen C0265201, MONDO:0010217, OMIM 278800.
Cerebrooculofacioskeletal syndrome 1 (COFS1). Also called: Cerebro-oculo-facio-skeletal syndrome 1. Identifiers: MedGen C0220722, MONDO:0008955, OMIM 214150.

Allele frequency attached by ClinVar (database versions not stated): ESP Exome Variant Server 0.00008; ExAC 0.00010.
gnomAD v4.1: 264 of 1,614,018 alleles (0.016%); highest among the groups gnomAD compares: Non-Finnish European, 0.021%; no homozygotes.

Submissions (3):

CeGaT Center for Human Genetics Tuebingen
Classification: Likely benign. Last evaluated: 2025-06-01. Review status: criteria provided, single submitter. Criteria: CeGaT Center For Human Genetics Tuebingen Variant Classification Criteria Version 2. Collection method: clinical testing. Allele origin: germline. Affected: yes. Observed: 1 variant allele.
Comment: ERCC6: BP4

Ambry Genetics
Classification: Uncertain significance. Last evaluated: 2024-11-13. Review status: criteria provided, single submitter. Criteria: Ambry Variant Classification Scheme 2023. Collection method: clinical testing. Allele origin: germline.

Department of Pathology and Laboratory Medicine, Sinai Health System
Classification: Uncertain significance for Cockayne syndrome type 2; Lung cancer; Cerebrooculofacioskeletal syndrome 1; DE SANCTIS-CACCHIONE SYNDROME; UV-sensitive syndrome 1; Premature ovarian failure 11. Last evaluated: 2022-06-03. Review status: criteria provided, single submitter. Criteria: ACMG Guidelines, 2015. Collection method: research. Allele origin: germline.